The following is an entry in ClinVar:

ClinVar aggregate classification (germline): Likely benign. Review status: criteria provided, multiple submitters, no conflicts (2 of 4 stars). 3 submissions from 3 submitters: Likely benign (3). Last evaluated 2025-03-17.

Conditions:
Vitreoretinopathy. Also called: Vitreoretinal degeneration. Identifiers: MedGen C0344290, MONDO:0020248, HP:0007773.

Allele frequency attached by ClinVar (database versions not stated): TOPMed 0.00002; gnomAD 0.00004; ExAC 0.00007; ESP Exome Variant Server 0.00008.
gnomAD v4.1: 67 of 1,613,194 alleles (0.0042%); highest among the groups gnomAD compares: Non-Finnish European, 0.0025%; no homozygotes.

Submissions (3):

Labcorp Genetics (formerly Invitae), Labcorp
Classification: Likely benign. Last evaluated: 2025-03-17. Review status: criteria provided, single submitter. Criteria: Invitae Variant Classification Sherloc (09022015). Collection method: clinical testing. Allele origin: germline.

Blueprint Genetics
Classification: Likely benign. Last evaluated: 2024-10-29. Review status: criteria provided, single submitter. Criteria: ACMG Guidelines, 2015. Collection method: clinical testing. Allele origin: germline.

Illumina Laboratory Services, Illumina
Classification: Likely benign for Vitreoretinopathy. Last evaluated: 2018-01-13. Review status: criteria provided, single submitter. Criteria: ICSL Variant Classification Criteria 13 December 2019. Collection method: clinical testing. Allele origin: germline.
Comment: This variant was observed in the ICSL laboratory as part of a predisposition screen in an ostensibly healthy population. It had not been previously curated by ICSL or reported in the Human Gene Mutation Database (HGMD: prior to June 1st, 2018), and was therefore a candidate for classification through an automated scoring system. Utilizing variant allele frequency, disease prevalence and penetrance estimates, and inheritance mode, an automated score was calculated to assess if this variant is too frequent to cause the disease. Based on the score and internal cut-off values, a variant classified as likely benign is not then subjected to further curation. The score for this variant resulted in a classification of likely benign for this disease.

NM_004385.5(VCAN):c.9880+11C>A

Gene: VCAN (versican; plus strand). Cytogenetic location: 5q14.3.
Variant type: single nucleotide variant.
Coding change: c.9880+11C>A on transcript NM_004385.5 (MANE Select); 11 bases into the intron after coding-DNA position 9880, C replaced by A.
Molecular consequence: intron variant.
Genome position (GRCh38, 1-based): chr5:83,572,571, C>A. VCF-style: chr5-83572571-C-A. GRCh37 (hg19) VCF-style: chr5-82868390-C-A.
Other names: c.4618+11C>A (NM_001164098.2); c.6919+11C>A (NM_001164097.2); c.1657+11C>A (NM_001126336.3).
Identifiers: ClinVar variation 354467 (VCV000354467.9), dbSNP rs373723999, ClinGen allele CA3334109.